The following is an entry in ClinVar:

NM_021926.4(ALX4):c.*1629C>T

Gene: ALX4 (ALX homeobox 4; minus strand). Cytogenetic location: 11p11.2.
Variant type: single nucleotide variant.
Coding change: c.*1629C>T on transcript NM_021926.4 (MANE Select); 1629 bases downstream of the stop codon, C replaced by T.
Molecular consequence: 3 prime UTR variant.
Genome position (GRCh38, 1-based): chr11:44,263,225, G>A on the plus strand (C>T on the coding strand, the complement: ALX4 is on the minus strand). VCF-style: chr11-44263225-G-A. GRCh37 (hg19) VCF-style: chr11-44284775-G-A.
Identifiers: ClinVar variation 880154 (VCV000880154.4), dbSNP rs184605209, ClinGen allele CA221485491.
Genomic context (GRCh38, chr11:44,263,225, plus strand): 5'-AGGAGGCCTTTCTGTGTCCACGACCCTGAGCATAGTGGGCCTGGCCCTACTCCATGACAG[G>A]AATCAAGGGAGAAGGTAGAAAAGGCGAGCGCTTCAATGCGGGGCGCTGCCTGCTGGAGGG-3'

ClinVar aggregate classification (germline): Benign (1 of 4 stars; one submission).

Conditions:
Parietal foramina 2 (PFM2). Identifiers: Orphanet 60015, MedGen C1865044, MONDO:0012309, OMIM 609597.

Allele frequency attached by ClinVar (database versions not stated): gnomAD 0.00171 and 0.00172; TOPMed 0.00179; 1000 Genomes Project 30x 0.00250; 1000 Genomes Project 0.00260.

Submission:

Illumina Laboratory Services, Illumina
Classification: Benign for Parietal foramina 2. Last evaluated: 2018-01-12. Review status: criteria provided, single submitter. Criteria: ICSL Variant Classification Criteria 13 December 2019. Collection method: clinical testing. Allele origin: germline.
Comment: This variant was observed in the ICSL laboratory as part of a predisposition screen in an ostensibly healthy population. It had not been previously curated by ICSL or reported in the Human Gene Mutation Database (HGMD: prior to June 1st, 2018), and was therefore a candidate for classification through an automated scoring system. Utilizing variant allele frequency, disease prevalence and penetrance estimates, and inheritance mode, an automated score was calculated to assess if this variant is too frequent to cause the disease. Based on the score and internal cut-off values, a variant classified as benign is not then subjected to further curation. The score for this variant resulted in a classification of benign for this disease.